The following is an entry in ClinVar:

NM_001093.4(ACACB):c.2872G>A (p.Val958Met)

Gene: ACACB (acetyl-CoA carboxylase beta; plus strand). Cytogenetic location: 12q24.11.
Variant type: single nucleotide variant.
Coding change: c.2872G>A on transcript NM_001093.4 (MANE Select); coding-DNA position 2872, G replaced by A.
Protein change: p.Val958Met; replaces valine 958 with methionine.
Molecular consequence: missense variant.
Genome position (GRCh38, 1-based): chr12:109,201,660, G>A. VCF-style: chr12-109201660-G-A. GRCh37 (hg19) VCF-style: chr12-109639465-G-A.
Other names: c.2872G>A (NM_001093.3); short protein forms V958M.
Identifiers: ClinVar variation 993629 (VCV000993629.11), dbSNP rs139511102, ClinGen allele CA6773806.

ClinVar aggregate classification (germline): Uncertain significance. Review status: criteria provided, multiple submitters, no conflicts (2 of 4 stars). 3 submissions from 3 submitters: Uncertain significance (2). 1 of the submissions does not count toward it. Last evaluated 2020-06-02.

Conditions:
ACACB-related disorder. Also called: ACACB-related condition.

Allele frequency attached by ClinVar (database versions not stated): TOPMed 0.00104; gnomAD 0.00136 and 0.00147; gnomAD exomes 0.00156 and 0.00187; ESP Exome Variant Server 0.00161; ExAC 0.00171.
gnomAD v4.1: 2,898 of 1,614,082 alleles (0.18%); highest among the groups gnomAD compares: Non-Finnish European, 0.22%; 5 homozygotes.

Submissions (3):

ARUP Laboratories, Molecular Genetics and Genomics, ARUP Laboratories
Classification: Uncertain significance. Last evaluated: 2020-06-02. Review status: criteria provided, single submitter. Criteria: ARUP Molecular Germline Variant Investigation Process. Collection method: clinical testing. Allele origin: germline.

Breakthrough Genomics
Classification: Uncertain significance. Review status: criteria provided, single submitter. Criteria: ACMG Guidelines, 2015. Collection method: not provided. Allele origin: germline. Inheritance: Unknown mechanism. Affected: yes.

PreventionGenetics, part of Exact Sciences
Classification: Likely benign for ACACB-related condition. Last evaluated: 2022-11-17. Review status: no assertion criteria provided. Collection method: clinical testing. Allele origin: germline. Not counted in ClinVar's aggregate classification.
Comment: This variant is classified as likely benign based on ACMG/AMP sequence variant interpretation guidelines (Richards et al. 2015 PMID: 25741868, with internal and published modifications).